The following is an entry in ClinVar:

ClinVar aggregate classification (germline): Uncertain significance. Review status: criteria provided, multiple submitters, no conflicts (2 of 4 stars). 5 submissions from 5 submitters: Uncertain significance (5). Last evaluated 2022-10-05.

Conditions:
Inborn genetic diseases. Identifiers: MedGen C0950123, MeSH D030342.
ALG12-congenital disorder of glycosylation (CDG1G). Also called: CDG Ig; Congenital disorder of glycosylation, type Ig; ALG12-CDG. Identifiers: Orphanet 79324, MedGen C2931001, MONDO:0011783, OMIM 607143.

Allele frequency attached by ClinVar (database versions not stated): gnomAD exomes 0.00012; ExAC 0.00015; 1000 Genomes Project 30x 0.00016; 1000 Genomes Project 0.00020; ESP Exome Variant Server 0.00031; gnomAD 0.00064 and 0.00066; TOPMed 0.00079.
gnomAD v4.1: 193 of 1,614,160 alleles (0.012%); highest among the groups gnomAD compares: African/African-American, 0.2%; 1 homozygote.

Submissions (5):

Labcorp Genetics (formerly Invitae), Labcorp
Classification: Uncertain significance for ALG12-congenital disorder of glycosylation. Last evaluated: 2022-10-05. Review status: criteria provided, single submitter. Criteria: Invitae Variant Classification Sherloc (09022015). Collection method: clinical testing. Allele origin: germline.
Comment: This sequence change replaces valine, which is neutral and non-polar, with methionine, which is neutral and non-polar, at codon 107 of the ALG12 protein (p.Val107Met). This variant is present in population databases (rs147784926, gnomAD 0.1%). This variant has not been reported in the literature in individuals affected with ALG12-related conditions. ClinVar contains an entry for this variant (Variation ID: 342059). Advanced modeling of protein sequence and biophysical properties (such as structural, functional, and spatial information, amino acid conservation, physicochemical variation, residue mobility, and thermodynamic stability) performed at Invitae indicates that this missense variant is not expected to disrupt ALG12 protein function. In summary, the available evidence is currently insufficient to determine the role of this variant in disease. Therefore, it has been classified as a Variant of Uncertain Significance.

Ambry Genetics
Classification: Uncertain significance for Inborn genetic diseases. Last evaluated: 2021-12-03. Review status: criteria provided, single submitter. Criteria: Ambry Variant Classification Scheme 2023. Collection method: clinical testing. Allele origin: germline.

HudsonAlpha Institute for Biotechnology
Classification: Uncertain significance for ALG12-congenital disorder of glycosylation. Last evaluated: 2021-05-26. Review status: criteria provided, single submitter. Criteria: ACMG Guidelines, 2015. Collection method: research. Allele origin: unknown. Observed: 1 variant allele. Study: CSER-SouthSeq.
Comment: ACMG codes:PP3

Revvity Omics, Revvity
Classification: Uncertain significance for ALG12-congenital disorder of glycosylation. Last evaluated: 2021-04-20. Review status: criteria provided, single submitter. Criteria: ACMG Guidelines, 2015. Collection method: clinical testing. Allele origin: germline.

Illumina Laboratory Services, Illumina
Classification: Uncertain significance for ALG12-congenital disorder of glycosylation. Last evaluated: 2018-01-13. Review status: criteria provided, single submitter. Criteria: ICSL Variant Classification Criteria 13 December 2019. Collection method: clinical testing. Allele origin: germline.

NM_024105.4(ALG12):c.319G>A (p.Val107Met)

Gene: ALG12 (ALG12 alpha-1,6-mannosyltransferase; minus strand). Cytogenetic location: 22q13.33.
Variant type: single nucleotide variant.
Coding change: c.319G>A on transcript NM_024105.4 (MANE Select); coding-DNA position 319, G replaced by A.
Protein change: p.Val107Met; replaces valine 107 with methionine.
Molecular consequence: missense variant.
Genome position (GRCh38, 1-based): chr22:49,910,584, C>T on the plus strand (G>A on the coding strand, the complement: ALG12 is on the minus strand). VCF-style: chr22-49910584-C-T. GRCh37 (hg19) VCF-style: chr22-50304232-C-T.
Other names: short protein forms V107M.
Identifiers: ClinVar variation 342059 (VCV000342059.11), dbSNP rs147784926, ClinGen allele CA10300652.